The following is an entry in ClinVar:

ClinVar aggregate classification (germline): Uncertain significance. Review status: criteria provided, multiple submitters, no conflicts (2 of 4 stars). 5 submissions from 5 submitters: Uncertain significance (5). Last evaluated 2026-04-11.

Conditions:
Multisystemic smooth muscle dysfunction syndrome (SMDYS). Also called: MYDRIASIS, CONGENITAL, WITH PATENT DUCTUS ARTERIOSUS, THORACIC AORTIC ANEURYSM, AND VASCULOPATHY; SMOOTH MUSCLE DYSFUNCTION SYNDROME. Identifiers: Orphanet 404463, MedGen C3151201, MONDO:0013452, OMIM 613834.
Moyamoya disease 5 (MYMY5). Identifiers: Orphanet 2573, MedGen C3279690, MONDO:0013542, OMIM 614042.
Aortic aneurysm, familial thoracic 6 (AAT6). Also called: FAMILIAL THORACIC AORTIC ANEURYSM WITH LIVEDO RETICULARIS AND IRIS FLOCCULI. Identifiers: MedGen C2673186, MONDO:0012730, OMIM 611788.
Familial thoracic aortic aneurysm and aortic dissection (TAAD). Also called: Thoracic aortic aneurysms and dissections. Identifiers: Orphanet 91387, MedGen C4707243, MONDO:0019625.

gnomAD v4.1: 18 of 1,613,812 alleles (0.0011%); highest among the groups gnomAD compares: Admixed American, 0.028%; no homozygotes.

Submissions (5):

Ambry Genetics
Classification: Uncertain significance for Familial thoracic aortic aneurysm and aortic dissection. Last evaluated: 2026-04-11. Review status: criteria provided, single submitter. Criteria: Ambry Variant Classification Scheme 2023. Collection method: clinical testing. Allele origin: germline.
Comment: The p.D26E variant (also known as c.78C>A), located in coding exon 1 of the ACTA2 gene, results from a C to A substitution at nucleotide position 78. The aspartic acid at codon 26 is replaced by glutamic acid, an amino acid with highly similar properties. This amino acid position is conserved. In addition, the in silico prediction for this alteration is inconclusive. Based on the available evidence, the clinical significance of this variant remains unclear.

Labcorp Genetics (formerly Invitae), Labcorp
Classification: Uncertain significance for Aortic aneurysm, familial thoracic 6. Last evaluated: 2025-10-02. Review status: criteria provided, single submitter. Criteria: Invitae Variant Classification Sherloc (09022015). Collection method: clinical testing. Allele origin: germline.
Comment: This sequence change replaces aspartic acid, which is acidic and polar, with glutamic acid, which is acidic and polar, at codon 26 of the ACTA2 protein (p.Asp26Glu). This variant is present in population databases (rs141538225, gnomAD 0.04%), and has an allele count higher than expected for a pathogenic variant. This variant has not been reported in the literature in individuals affected with ACTA2-related conditions. ClinVar contains an entry for this variant (Variation ID: 580143). Invitae Evidence Modeling of protein sequence and biophysical properties (such as structural, functional, and spatial information, amino acid conservation, physicochemical variation, residue mobility, and thermodynamic stability) indicates that this missense variant is not expected to disrupt ACTA2 protein function with a negative predictive value of 80%. In summary, the available evidence is currently insufficient to determine the role of this variant in disease. Therefore, it has been classified as a Variant of Uncertain Significance.

All of Us Research Program, National Institutes of Health
Classification: Uncertain significance for Familial thoracic aortic aneurysm and aortic dissection. Last evaluated: 2024-08-29. Review status: criteria provided, single submitter. Criteria: ACMG Guidelines, 2015. Collection method: clinical testing. Allele origin: germline. Inheritance: Autosomal dominant inheritance. Observed: 9 variant alleles, 9 heterozygotes.
Comment: This missense variant replaces aspartic acid with glutamic acid at codon 26 of the ACTA2 protein. Computational prediction tools indicate that this variant's impact on protein structure and function is inconclusive. To our knowledge, functional studies have not been reported for this variant. This variant has not been reported in individuals affected with ACTA2-related disorders in the literature. This variant has been identified in 17/251074 chromosomes in the general population by the Genome Aggregation Database (gnomAD). The elevated variant allele frequency in the general population indicates that this variant may not be disease-causing. However, additional studies are necessary to determine the role of this variant in disease conclusively. Therefore, this variant is classified as a Variant of Uncertain Significance.

This study involves interpretation of variants in research participants for the purpose of population health screening. Participant phenotype was not available at the time of variant classification. Additional details can be found in publication PMID: 35346344, PMCID: PMC8962531

Color Diagnostics, LLC DBA Color Health
Classification: Uncertain significance for Familial thoracic aortic aneurysm and aortic dissection. Last evaluated: 2024-06-13. Review status: criteria provided, single submitter. Criteria: ACMG Guidelines, 2015. Collection method: clinical testing. Allele origin: germline.
Comment: This missense variant replaces aspartic acid with glutamic acid at codon 26 of the ACTA2 protein. Computational prediction tools indicate that this variant's impact on protein structure and function is inconclusive. To our knowledge, functional studies have not been reported for this variant. This variant has not been reported in individuals affected with ACTA2-related disorders in the literature. This variant has been identified in 17/251074 chromosomes in the general population by the Genome Aggregation Database (gnomAD). The elevated variant allele frequency in the general population indicates that this variant may not be disease-causing. However, additional studies are necessary to determine the role of this variant in disease conclusively. Therefore, this variant is classified as a Variant of Uncertain Significance.

Fulgent Genetics
Classification: Uncertain significance for Aortic aneurysm, familial thoracic 6; Multisystemic smooth muscle dysfunction syndrome; Moyamoya disease 5. Last evaluated: 2021-09-17. Review status: criteria provided, single submitter. Criteria: ACMG Guidelines, 2015. Collection method: clinical testing. Allele origin: unknown.

NM_001613.4(ACTA2):c.78C>A (p.Asp26Glu)

Gene: ACTA2 (actin alpha 2, smooth muscle; minus strand). Cytogenetic location: 10q23.31.
Variant type: single nucleotide variant.
Coding change: c.78C>A on transcript NM_001613.4 (MANE Select); coding-DNA position 78, C replaced by A.
Protein change: p.Asp26Glu; replaces aspartic acid 26 with glutamic acid.
Molecular consequence: missense variant.
Genome position (GRCh38, 1-based): chr10:88,948,853, G>T on the plus strand (C>A on the coding strand, the complement: ACTA2 is on the minus strand). VCF-style: chr10-88948853-G-T. GRCh37 (hg19) VCF-style: chr10-90708610-G-T.
Other names: c.78C>A, p.Asp26Glu (NM_001141945.3, NM_001320855.2, NM_001406462.1 and 7 more transcripts); short protein forms D26E.
Identifiers: ClinVar variation 580143 (VCV000580143.19), dbSNP rs141538225, ClinGen allele CA029465.